The following is an entry in ClinVar:

ClinVar aggregate classification (germline): Uncertain significance (1 of 4 stars; one submission).

Submission:

Women's Health and Genetics/Laboratory Corporation of America, LabCorp
Classification: Uncertain significance. Last evaluated: 2024-12-02. Review status: criteria provided, single submitter. Criteria: LabCorp Variant Classification Summary - May 2015. Collection method: clinical testing. Allele origin: germline.
Comment: Variant summary: RBMX c.-2_1delACA (NA) alters the initiation codon and is predicted to result either in absence of the protein or truncation of the encoded protein due to translation initiation at a downstream codon. The next downstream in-frame Methionine is in codon 40, and no pathogenic variants have been found upstream of this codon. The variant allele was found at a frequency of 0.00027 in 91494 control chromosomes (gnomAD). This frequency is not significantly higher than estimated for a pathogenic variant in RBMX causing Syndromic X-Linked Intellectual Disability Shashi Type, allowing no conclusion about variant significance. To our knowledge, no occurrence of c.-2_1delACA in individuals affected with Syndromic X-Linked Intellectual Disability Shashi Type and no experimental evidence demonstrating its impact on protein function have been reported. No submitters have cited clinical-significance assessments for this variant to ClinVar. Based on the evidence outlined above, the variant was classified as uncertain significance.

NM_002139.4(RBMX):c.-2_1del (p.Met1del)

Gene: RBMX (RNA binding motif protein X-linked; minus strand). Cytogenetic location: Xq26.3.
Variant type: Deletion.
Coding change: c.-2_1del on transcript NM_002139.4 (MANE Select); 2 bases upstream of the start codon through coding-DNA position 1, 3 bases deleted (ACA; older notation c.-2_1delACA).
Protein change: p.Met1del; deletes methionine 1.
Molecular consequence: initiator codon variant. On other transcripts: non-coding transcript variant (2).
Genome position (GRCh38, 1-based): chrX:136,879,427-136,879,429, TGT deleted on the plus strand (ACA on the coding strand, the reverse complement: RBMX is on the minus strand); deleting any 3 consecutive bases within chrX:136,879,427-136,879,430 gives the same sequence; the c. name uses the placement nearest the transcript's 3' end. VCF-style (leftmost placement, unchanged base first): chrX-136879426-ATGT-A. GRCh37 (hg19) VCF-style: chrX-135961585-ATGT-A.
Other names: c.-2_1del, p.Met1del (NM_001164803.2); c.-2_1delACA (NM_002139.4); short protein forms M1del.
Identifiers: ClinVar variation 3768356 (VCV003768356.1).